The following is an entry in ClinVar:

NM_024408.4(NOTCH2):c.2213T>C (p.Leu738Pro)

Gene: NOTCH2 (notch receptor 2; minus strand). Cytogenetic location: 1p12.
Variant type: single nucleotide variant.
Coding change: c.2213T>C on transcript NM_024408.4 (MANE Select); coding-DNA position 2213, T replaced by C.
Protein change: p.Leu738Pro; replaces leucine 738 with proline.
Molecular consequence: missense variant.
Genome position (GRCh38, 1-based): chr1:119,955,046, A>G on the plus strand (T>C on the coding strand, the complement: NOTCH2 is on the minus strand). VCF-style: chr1-119955046-A-G. GRCh37 (hg19) VCF-style: chr1-120497669-A-G.
Other names: c.2213T>C, p.Leu738Pro (NM_001200001.2); short protein forms L738P.
Identifiers: ClinVar variation 2134128 (VCV002134128.4), dbSNP rs781963815, ClinGen allele CA1040366.

ClinVar aggregate classification (germline): Uncertain significance (1 of 4 stars; one submission).

Conditions:
Hajdu-Cheney syndrome (HJCYS). Also called: ACROOSTEOLYSIS WITH OSTEOPOROSIS AND CHANGES IN SKULL AND MANDIBLE; SERPENTINE FIBULA-POLYCYSTIC KIDNEY SYNDROME; Acroosteolysis dominant type. Identifiers: Orphanet 955, MedGen C0917715, MONDO:0007057, OMIM 102500.

Allele frequency attached by ClinVar (database versions not stated): gnomAD exomes below 0.00001; ExAC 0.00001.
gnomAD v4.1: 1 of 1,613,712 alleles (0.000062%); highest among the groups gnomAD compares: South Asian, 0.0011%; no homozygotes.

Submission:

Labcorp Genetics (formerly Invitae), Labcorp
Classification: Uncertain significance for Hajdu-Cheney syndrome. Last evaluated: 2022-05-05. Review status: criteria provided, single submitter. Criteria: Invitae Variant Classification Sherloc (09022015). Collection method: clinical testing. Allele origin: germline.
Comment: This sequence change replaces leucine, which is neutral and non-polar, with proline, which is neutral and non-polar, at codon 738 of the NOTCH2 protein (p.Leu738Pro). This variant is present in population databases (rs781963815, gnomAD 0.003%). This variant has not been reported in the literature in individuals affected with NOTCH2-related conditions. Advanced modeling of protein sequence and biophysical properties (such as structural, functional, and spatial information, amino acid conservation, physicochemical variation, residue mobility, and thermodynamic stability) performed at Invitae indicates that this missense variant is not expected to disrupt NOTCH2 protein function. In summary, the available evidence is currently insufficient to determine the role of this variant in disease. Therefore, it has been classified as a Variant of Uncertain Significance.